The following is an entry in ClinVar:

NM_006231.4(POLE):c.919A>G (p.Ile307Val)

Gene: POLE (DNA polymerase epsilon, catalytic subunit; minus strand). Cytogenetic location: 12q24.33.
Variant type: single nucleotide variant.
Coding change: c.919A>G on transcript NM_006231.4 (MANE Select); coding-DNA position 919, A replaced by G.
Protein change: p.Ile307Val; replaces isoleucine 307 with valine.
Molecular consequence: missense variant.
Genome position (GRCh38, 1-based): chr12:132,676,195, T>C on the plus strand (A>G on the coding strand, the complement: POLE is on the minus strand). VCF-style: chr12-132676195-T-C. GRCh37 (hg19) VCF-style: chr12-133252781-T-C.
Other names: short protein forms I307V.
Identifiers: ClinVar variation 2087456 (VCV002087456.4), dbSNP rs2542168032, ClinGen allele CA387363967.
Genomic context (GRCh38, chr12:132,676,195, plus strand): 5'-CTGGCTTGGGGGTGAACTCAAAATCTTCAATATCTTCTGAAACAATCTCCCTGTTGGTGA[T>C]GAGGTAGCCCTAGCCAAGTTCATTAGCAATCAGCACAAGTCAGAGGCTGCAAAGCCAAGA-3'
Protein context (NP_006222.2, residues 297-317): SYMIDGQGYL[Ile307Val]TNREIVSEDI

ClinVar aggregate classification (germline): Uncertain significance (1 of 4 stars; one submission).

Submission:

Labcorp Genetics (formerly Invitae), Labcorp
Classification: Uncertain significance. Last evaluated: 2023-05-09. Review status: criteria provided, single submitter. Criteria: Invitae Variant Classification Sherloc (09022015). Collection method: clinical testing. Allele origin: germline.
Comment: This sequence change replaces isoleucine, which is neutral and non-polar, with valine, which is neutral and non-polar, at codon 307 of the POLE protein (p.Ile307Val). This variant is not present in population databases (gnomAD no frequency). This missense change has been observed in individual(s) with melanoma (PMID: 32792570). ClinVar contains an entry for this variant (Variation ID: 2087456). Advanced modeling of protein sequence and biophysical properties (such as structural, functional, and spatial information, amino acid conservation, physicochemical variation, residue mobility, and thermodynamic stability) performed at Invitae indicates that this missense variant is expected to disrupt POLE protein function. Experimental studies have shown that this missense change does not substantially affect POLE function (PMID: 32792570). In summary, the available evidence is currently insufficient to determine the role of this variant in disease. Therefore, it has been classified as a Variant of Uncertain Significance.

Literature cited by the submitters: PubMed 32792570.